The following is an entry in ClinVar:

NM_203447.4(DOCK8):c.5386C>T (p.Arg1796Ter)

Gene: DOCK8 (dedicator of cytokinesis 8; plus strand). Cytogenetic location: 9p24.3.
Variant type: single nucleotide variant.
Coding change: c.5386C>T on transcript NM_203447.4 (MANE Select); coding-DNA position 5386, C replaced by T.
Protein change: p.Arg1796Ter; replaces arginine 1796 with a stop codon.
Molecular consequence: nonsense.
Genome position (GRCh38, 1-based): chr9:441,905, C>T. VCF-style: chr9-441905-C-T. GRCh37 (hg19) VCF-style: chr9-441905-C-T.
Other names: c.5086C>T, p.Arg1696Ter (NM_001190458.2); c.5182C>T, p.Arg1728Ter (NM_001193536.2); short protein forms R1796*, R1728*, R1696*.
Identifiers: ClinVar variation 576864 (VCV000576864.17), dbSNP rs775544616, ClinGen allele CA4959418.

ClinVar aggregate classification (germline): Pathogenic. Review status: criteria provided, multiple submitters, no conflicts (2 of 4 stars). 3 submissions from 3 submitters: Pathogenic (3). Last evaluated 2025-10-28.

Conditions:
DOCK8-related disorders.
Combined immunodeficiency due to DOCK8 deficiency (HIES2). Also called: DOCK8 Deficiency; HYPER-IgE RECURRENT INFECTION SYNDROME 2, AUTOSOMAL RECESSIVE; HIES autosomal recessive; HYPER-IgE SYNDROME 2, AUTOSOMAL RECESSIVE, WITH RECURRENT INFECTIONS; Hyper-IgE recurrent infection syndrome, autosomal recessive. Identifiers: Orphanet 217390, MedGen C4722305, MONDO:0009478, OMIM 243700.

Allele frequency attached by ClinVar (database versions not stated): ExAC 0.00001.
gnomAD v4.1: 1 of 1,614,060 alleles (0.000062%); highest among the groups gnomAD compares: Non-Finnish European, 0.000085%; no homozygotes.

Submissions (3):

Labcorp Genetics (formerly Invitae), Labcorp
Classification: Pathogenic for Combined immunodeficiency due to DOCK8 deficiency. Last evaluated: 2025-10-28. Review status: criteria provided, single submitter. Criteria: Invitae Variant Classification Sherloc (09022015). Collection method: clinical testing. Allele origin: germline.
Comment: This sequence change creates a premature translational stop signal (p.Arg1796*) in the DOCK8 gene. It is expected to result in an absent or disrupted protein product. Loss-of-function variants in DOCK8 are known to be pathogenic (PMID: 14722525, 19776401). This variant is present in population databases (rs775544616, gnomAD 0.006%). This premature translational stop signal has been observed in individual(s) with DOCK8 deficiency who exhibited mutation reversion due to somatic repair in lymphocytes (PMID: 24797421). This variant is also known as c.5182C>T (p.R1728X). ClinVar contains an entry for this variant (Variation ID: 576864). For these reasons, this variant has been classified as Pathogenic.

Blueprint Genetics
Classification: Pathogenic for DOCK8-related disorders. Last evaluated: 2024-07-01. Review status: criteria provided, single submitter. Criteria: ACMG Guidelines, 2015. Collection method: clinical testing. Allele origin: germline. Affected: yes. Observed: 2 variant alleles.

Fulgent Genetics
Classification: Pathogenic for Combined immunodeficiency due to DOCK8 deficiency. Last evaluated: 2024-06-01. Review status: criteria provided, single submitter. Criteria: ACMG Guidelines, 2015. Collection method: clinical testing. Allele origin: germline.

Literature cited by the submitters: PubMed 14722525 (cited by Labcorp Genetics (formerly Invitae), Labcorp); PubMed 19776401 (cited by Labcorp Genetics (formerly Invitae), Labcorp); PubMed 24797421 (cited by Labcorp Genetics (formerly Invitae), Labcorp).